The following is an entry in ClinVar:

NM_007294.3:c.4987-9_4987-8insALU

Gene: BRCA1 (BRCA1 DNA repair associated; minus strand).
Variant type: Insertion.
Identifiers: ClinVar variation 3261483 (VCV003261483.1).

ClinVar aggregate classification (germline): Uncertain significance (1 of 4 stars; one submission).

Conditions:
Hereditary cancer-predisposing syndrome. Also called: Hereditary Cancer Syndrome; Tumor predisposition; Hereditary neoplastic syndrome; Neoplastic Syndromes, Hereditary. Identifiers: Orphanet 140162, MedGen C0027672, MeSH D009386, MONDO:0015356.

Submission:

Ambry Genetics
Classification: Uncertain significance for Hereditary cancer-predisposing syndrome. Last evaluated: 2024-06-13. Review status: criteria provided, single submitter. Criteria: Ambry Variant Classification Scheme 2023. Collection method: clinical testing. Allele origin: germline.
Comment: The c.4987-9_4987-8insALU variant results from the insertion of an Alu between nucleotides c.4987-9 and c.4987-8 in intron 14 of the BRCA1 gene. Mobile element insertions contribute to pathogenicity by either disrupting the coding sequence or inducing aberrant splicing, however, direct RNA evidence is insufficient at this time (Ambry internal data; Belancio VP et al. Semin. Cancer Biol. 2010 Aug;20:200-10; Deininger P et al. Genome Biol. 2011 Dec;12:236; van der Klift HM Hum Mutat. 2012 Jul;33(7):1051-5). Based on the available evidence, the clinical significance of this variant remains unclear.